The following is an entry in ClinVar:

NM_001018113.3(FANCB):c.362G>A (p.Arg121His)

Gene: FANCB (FA complementation group B; minus strand). Cytogenetic location: Xp22.2.
Variant type: single nucleotide variant.
Coding change: c.362G>A on transcript NM_001018113.3 (MANE Select); coding-DNA position 362, G replaced by A.
Protein change: p.Arg121His; replaces arginine 121 with histidine.
Molecular consequence: missense variant.
Genome position (GRCh38, 1-based): chrX:14,865,149, C>T on the plus strand (G>A on the coding strand, the complement: FANCB is on the minus strand). VCF-style: chrX-14865149-C-T. GRCh37 (hg19) VCF-style: chrX-14883271-C-T.
Other names: c.362G>A, p.Arg121His (NM_001324162.2, NM_152633.4); short protein forms R121H.
Identifiers: ClinVar variation 912474 (VCV000912474.39), dbSNP rs142289802, ClinGen allele CA10353213.

ClinVar aggregate classification (germline): Conflicting classifications of pathogenicity. Review status: criteria provided, conflicting classifications (1 of 4 stars). 7 submissions from 6 submitters: Uncertain significance (1); Benign (3); Likely benign (3). Last evaluated 2025-10-21.

Conditions:
Inborn genetic diseases. Identifiers: MedGen C0950123, MeSH D030342.
Fanconi anemia (FA). Also called: Fanconi's anemia. Identifiers: Orphanet 84, MedGen C0015625, MeSH D005199, MONDO:0019391.
Fanconi anemia complementation group B (FANCB). Also called: FANCB-Related Fanconi Anemia; FANCONI PANCYTOPENIA, TYPE 2. Identifiers: Orphanet 84, MedGen C1845292, MONDO:0010351, OMIM 300514.
VACTERL association, X-linked, with or without hydrocephalus (VACTERLX). Also called: VACTERL Association with Hydrocephalus, X-linked; X-linked VACTERL-H syndrome; VACTERL ASSOCIATION, X-LINKED; VACTERL-H, X-LINKED. Identifiers: Orphanet 3412, MedGen C2931228, MONDO:0010752, OMIM 314390.

Allele frequency attached by ClinVar (database versions not stated): gnomAD exomes 0.00004 and 0.00005; TOPMed 0.00005; ExAC 0.00006; gnomAD 0.00008; ESP Exome Variant Server 0.00019.
gnomAD v4.1: 60 of 1,194,771 alleles (0.005%); highest among the groups gnomAD compares: Middle Eastern, 0.07%; no homozygotes.

Submissions (7):

Labcorp Genetics (formerly Invitae), Labcorp
Classification: Benign for Fanconi anemia. Last evaluated: 2025-10-21. Review status: criteria provided, single submitter. Criteria: Invitae Variant Classification Sherloc (09022015). Collection method: clinical testing. Allele origin: germline.

CeGaT Center for Human Genetics Tuebingen
Classification: Likely benign. Last evaluated: 2025-06-01. Review status: criteria provided, single submitter. Criteria: CeGaT Center For Human Genetics Tuebingen Variant Classification Criteria Version 2. Collection method: clinical testing. Allele origin: germline. Affected: yes. Observed: 4 variant alleles.
Comment: FANCB: BP4, BS2

Blueprint Genetics
Classification: Likely benign. Last evaluated: 2024-03-26. Review status: criteria provided, single submitter. Criteria: ACMG Guidelines, 2015. Collection method: clinical testing. Allele origin: germline.

Sema4
Classification: Likely benign for Fanconi anemia. Last evaluated: 2022-01-31. Review status: criteria provided, single submitter. Criteria: Sema4 Curation Guidelines. Collection method: curation. Allele origin: germline.

Ambry Genetics
Classification: Uncertain significance for Inborn genetic diseases. Last evaluated: 2022-01-26. Review status: criteria provided, single submitter. Criteria: Ambry Variant Classification Scheme 2023. Collection method: clinical testing. Allele origin: germline.

Illumina Laboratory Services, Illumina
Classification: Benign for Fanconi anemia complementation group B. Last evaluated: 2018-01-12. Review status: criteria provided, single submitter. Criteria: ICSL Variant Classification Criteria 13 December 2019. Collection method: clinical testing. Allele origin: germline.
Comment: This variant was observed in the ICSL laboratory as part of a predisposition screen in an ostensibly healthy population. It had not been previously curated by ICSL or reported in the Human Gene Mutation Database (HGMD: prior to June 1st, 2018), and was therefore a candidate for classification through an automated scoring system. Utilizing variant allele frequency, disease prevalence and penetrance estimates, and inheritance mode, an automated score was calculated to assess if this variant is too frequent to cause the disease. Based on the score and internal cut-off values, a variant classified as benign is not then subjected to further curation. The score for this variant resulted in a classification of benign for this disease.

Illumina Laboratory Services, Illumina
Classification: Benign for VACTERL association with hydrocephaly, X-linked. Last evaluated: 2018-01-12. Review status: criteria provided, single submitter. Criteria: ICSL Variant Classification Criteria 13 December 2019. Collection method: clinical testing. Allele origin: germline.
Comment: the same text as in the submission from Illumina Laboratory Services, Illumina above.